The following is an entry in ClinVar:

NM_001042492.3(NF1):c.6643-1G>C

Gene: NF1 (neurofibromin 1; plus strand). Cytogenetic location: 17q11.2.
Variant type: single nucleotide variant.
Coding change: c.6643-1G>C on transcript NM_001042492.3 (MANE Select); the canonical splice acceptor site of the intron before coding-DNA position 6643, G replaced by C.
Molecular consequence: splice acceptor variant.
Genome position (GRCh38, 1-based): chr17:31,337,818, G>C. VCF-style: chr17-31337818-G-C. GRCh37 (hg19) VCF-style: chr17-29664836-G-C.
Other names: c.6580-1G>C (NM_000267.4).
Identifiers: ClinVar variation 1073530 (VCV001073530.5), dbSNP rs2151557367, ClinGen allele CA399013650.

ClinVar aggregate classification (germline): Pathogenic (1 of 4 stars; one submission).

Conditions:
Neurofibromatosis, type 1 (NF1). Also called: VON RECKLINGHAUSEN DISEASE; Peripheral type neurofibromatosis; NEUROFIBROMATOSIS, TYPE I, SOMATIC; Neurofibromatosis, type I. Identifiers: Orphanet 636, MedGen C0027831, MONDO:0018975, OMIM 162200. Disease mechanism: loss of function.

Submission:

Labcorp Genetics (formerly Invitae), Labcorp
Classification: Pathogenic for Neurofibromatosis, type 1. Last evaluated: 2024-07-23. Review status: criteria provided, single submitter. Criteria: Invitae Variant Classification Sherloc (09022015). Collection method: clinical testing. Allele origin: germline.
Comment: This sequence change affects an acceptor splice site in intron 42 of the NF1 gene. It is expected to disrupt RNA splicing. Variants that disrupt the donor or acceptor splice site typically lead to a loss of protein function (PMID: 16199547), and loss-of-function variants in NF1 are known to be pathogenic (PMID: 10712197, 23913538). This variant is not present in population databases (gnomAD no frequency). Disruption of this splice site has been observed in individual(s) with clinical features of neurofibromatosis type 1 (Invitae). ClinVar contains an entry for this variant (Variation ID: 1073530). Algorithms developed to predict the effect of sequence changes on RNA splicing suggest that this variant may disrupt the consensus splice site. For these reasons, this variant has been classified as Pathogenic.

Literature cited by the submitters: PubMed 16199547; PubMed 10712197; PubMed 23913538.